The following is an entry in ClinVar:

NM_000179.3(MSH6):c.395A>T (p.Gln132Leu)

Gene: MSH6 (mutS homolog 6; plus strand). Cytogenetic location: 2p16.3.
Variant type: single nucleotide variant.
Coding change: c.395A>T on transcript NM_000179.3 (MANE Select); coding-DNA position 395, A replaced by T.
Protein change: p.Gln132Leu; replaces glutamine 132 with leucine.
Molecular consequence: missense variant. On other transcripts: 5 prime UTR variant (7), non-coding transcript variant (5), intron variant (6).
Genome position (GRCh38, 1-based): chr2:47,791,061, A>T. VCF-style: chr2-47791061-A-T. GRCh37 (hg19) VCF-style: chr2-48018200-A-T.
Other names: c.-342A>T (NM_001281493.2, NM_001406811.1, NM_001406823.1 and 1 more transcripts); c.-508A>T (NM_001281494.2); c.491A>T, p.Gln164Leu (NM_001406795.1, NM_001406802.1); c.395A>T, p.Gln132Leu (NM_001406796.1, NM_001406798.1, NM_001406800.1 and 6 more transcripts); c.98A>T, p.Gln33Leu (NM_001406797.1, NM_001406801.1, NM_001406805.1 and 10 more transcripts); c.317A>T, p.Gln106Leu (NM_001406804.1); c.-534A>T (NM_001406807.1); c.-600A>T (NM_001406814.1); and 5 more; short protein forms Q106L, Q164L, Q33L, Q132L, Q76L.
Identifiers: ClinVar variation 3398931 (VCV003398931.1).
Genomic context (GRCh38, chr2:47,791,061, plus strand): 5'-ACCACCCCTTTGATGGAACATTCATCCGCGAGAAAGGGAAATCAGTCCGTGTTCATGTAC[A>T]GTTTTTTGATGACAGCCCAACAAGGGGCTGGGTTAGCAAAAGGCTTTTAAAGCCATATAC-3'
Protein context (NP_000170.1, residues 122-142): EKGKSVRVHV[Gln132Leu]FFDDSPTRGW

ClinVar aggregate classification (germline): Uncertain significance (1 of 4 stars; one submission).

Conditions:
Hereditary cancer-predisposing syndrome. Also called: Hereditary Cancer Syndrome; Tumor predisposition; Hereditary neoplastic syndrome; Neoplastic Syndromes, Hereditary. Identifiers: Orphanet 140162, MedGen C0027672, MeSH D009386, MONDO:0015356.

Submission:

Ambry Genetics
Classification: Uncertain significance for Hereditary cancer-predisposing syndrome. Last evaluated: 2024-09-25. Review status: criteria provided, single submitter. Criteria: Ambry Variant Classification Scheme 2023. Collection method: clinical testing. Allele origin: germline.
Comment: The p.Q132L variant (also known as c.395A>T), located in coding exon 2 of the MSH6 gene, results from an A to T substitution at nucleotide position 395. The glutamine at codon 132 is replaced by leucine, an amino acid with dissimilar properties. This amino acid position is conserved. In addition, the in silico prediction for this alteration is inconclusive. Based on the available evidence, the clinical significance of this variant remains unclear.